The following is an entry in ClinVar:

NM_001366385.1(CARD14):c.2024C>T (p.Ser675Leu)

Genes: CARD14 (caspase recruitment domain family member 14; plus strand), SGSH (N-sulfoglucosamine sulfohydrolase; minus strand). Cytogenetic location: 17q25.3.
Variant type: single nucleotide variant.
Coding change: c.2024C>T on transcript NM_001366385.1 (MANE Select); coding-DNA position 2024, C replaced by T.
Protein change: p.Ser675Leu; replaces serine 675 with leucine.
Molecular consequence: missense variant. On other transcripts: non-coding transcript variant (1).
Genome position (GRCh38, 1-based): chr17:80,202,225, C>T. VCF-style: chr17-80202225-C-T. GRCh37 (hg19) VCF-style: chr17-78176024-C-T.
Other names: c.2024C>T, p.Ser675Leu (NM_001257970.1, NM_024110.4); short protein forms S675L.
Identifiers: ClinVar variation 2924714 (VCV002924714.3), dbSNP rs756617941, ClinGen allele CA8817166.

ClinVar aggregate classification (germline): Uncertain significance (1 of 4 stars; one submission).

Conditions:
Psoriasis 2. Identifiers: MedGen C1864497, MONDO:0011269, OMIM 602723.
Pityriasis rubra pilaris (PRP). Also called: Pityriasis rubra pilaris--familial type. Identifiers: Orphanet 2897, MedGen C0032027, MONDO:0100017, OMIM 173200, MONDO:0008251.

Allele frequency attached by ClinVar (database versions not stated): gnomAD exomes below 0.00001; ExAC 0.00001; gnomAD 0.00001; TOPMed 0.00001.
gnomAD v4.1: 8 of 1,613,842 alleles (0.0005%); highest among the groups gnomAD compares: African/African-American, 0.004%; no homozygotes.

Submission:

Labcorp Genetics (formerly Invitae), Labcorp
Classification: Uncertain significance for Pityriasis rubra pilaris; Psoriasis 2. Last evaluated: 2023-08-24. Review status: criteria provided, single submitter. Criteria: Invitae Variant Classification Sherloc (09022015). Collection method: clinical testing. Allele origin: germline.
Comment: This sequence change replaces serine, which is neutral and polar, with leucine, which is neutral and non-polar, at codon 675 of the CARD14 protein (p.Ser675Leu). This variant is present in population databases (rs756617941, gnomAD 0.003%). This variant has not been reported in the literature in individuals affected with CARD14-related conditions. Advanced modeling of protein sequence and biophysical properties (such as structural, functional, and spatial information, amino acid conservation, physicochemical variation, residue mobility, and thermodynamic stability) performed at Invitae indicates that this missense variant is expected to disrupt CARD14 protein function. In summary, the available evidence is currently insufficient to determine the role of this variant in disease. Therefore, it has been classified as a Variant of Uncertain Significance.